The following is an entry in ClinVar:

NM_001005242.3(PKP2):c.1379-2105A>G

Gene: PKP2 (plakophilin 2; minus strand). Cytogenetic location: 12p11.21.
Variant type: single nucleotide variant.
Coding change: c.1379-2105A>G on transcript NM_001005242.3 (MANE Select); 2105 bases into the intron before coding-DNA position 1379, A replaced by G.
Molecular consequence: intron variant. On other transcripts: missense variant (1).
Genome position (GRCh38, 1-based): chr12:32,843,310, T>C on the plus strand (A>G on the coding strand, the complement: PKP2 is on the minus strand). VCF-style: chr12-32843310-T-C. GRCh37 (hg19) VCF-style: chr12-32996244-T-C.
Other names: c.1382A>G, p.His461Arg (NM_004572.4); short protein forms H461R.
Identifiers: ClinVar variation 533032 (VCV000533032.26), dbSNP rs376606525, ClinGen allele CA235250594.

ClinVar aggregate classification (germline): Conflicting classifications of pathogenicity. Review status: criteria provided, conflicting classifications (1 of 4 stars). 3 submissions from 3 submitters: Uncertain significance (2); Likely benign (1). Last evaluated 2026-01-26.

Conditions:
Cardiovascular phenotype. Identifiers: MedGen CN230736.
Arrhythmogenic right ventricular dysplasia 9 (ARVD9). Also called: Arrhythmogenic Right Ventricular Dysplasia/Cardiomyopathy 9; ARRHYTHMOGENIC RIGHT VENTRICULAR DYSPLASIA, FAMILIAL, 9. Identifiers: MedGen C1836906, MONDO:0012180, OMIM 609040.

gnomAD v4.1: 1 of 1,365,074 alleles (0.000073%); no homozygotes.

Submissions (3):

Ambry Genetics
Classification: Likely benign for Cardiovascular phenotype. Last evaluated: 2026-01-26. Review status: criteria provided, single submitter. Criteria: Ambry Variant Classification Scheme 2023. Collection method: clinical testing. Allele origin: germline.

CeGaT Center for Human Genetics Tuebingen
Classification: Uncertain significance. Last evaluated: 2024-06-01. Review status: criteria provided, single submitter. Criteria: CeGaT Center For Human Genetics Tuebingen Variant Classification Criteria Version 2. Collection method: clinical testing. Allele origin: germline. Affected: yes. Observed: 1 variant allele.
Comment: PKP2: PM2, BP4

Labcorp Genetics (formerly Invitae), Labcorp
Classification: Uncertain significance for Arrhythmogenic right ventricular dysplasia 9. Last evaluated: 2024-04-01. Review status: criteria provided, single submitter. Criteria: Invitae Variant Classification Sherloc (09022015). Collection method: clinical testing. Allele origin: germline.
Comment: This sequence change replaces histidine, which is basic and polar, with arginine, which is basic and polar, at codon 461 of the PKP2 protein (p.His461Arg). This variant is not present in population databases (gnomAD no frequency). This variant has not been reported in the literature in individuals affected with PKP2-related conditions. ClinVar contains an entry for this variant (Variation ID: 533032). Algorithms developed to predict the effect of missense changes on protein structure and function output the following: SIFT: "Not Available"; PolyPhen-2: "Benign"; Align-GVGD: "Not Available". The arginine amino acid residue is found in multiple mammalian species, which suggests that this missense change does not adversely affect protein function. In summary, the available evidence is currently insufficient to determine the role of this variant in disease. Therefore, it has been classified as a Variant of Uncertain Significance.